The following is an entry in ClinVar:

ClinVar aggregate classification (germline): Likely benign. Review status: criteria provided, multiple submitters, no conflicts (2 of 4 stars). 2 submissions from 2 submitters: Likely benign (2). Last evaluated 2017-04-27.

Conditions:
Aortic aneurysm, familial thoracic 7 (AAT7). Also called: AORTIC DISSECTION, FAMILIAL, WITH OR WITHOUT AORTIC ANEURYSM. Identifiers: MedGen C3151077, MONDO:0013418, OMIM 613780.

Allele frequency attached by ClinVar (database versions not stated): 1000 Genomes Project 30x 0.01077; gnomAD 0.00879 and 0.00949; 1000 Genomes Project 0.00978; TOPMed 0.01040.
gnomAD v4.1: 1,835 of 632,512 alleles (0.29%); highest among the groups gnomAD compares: African/African-American, 3%; 25 homozygotes.

Submissions (2):

Illumina Laboratory Services, Illumina
Classification: Likely benign for Aortic aneurysm, familial thoracic 7. Last evaluated: 2017-04-27. Review status: criteria provided, single submitter. Criteria: ICSL Variant Classification Criteria 13 December 2019. Collection method: clinical testing. Allele origin: germline.
Comment: This variant was observed as part of a predisposition screen in an ostensibly healthy population. A literature search was performed for the gene, cDNA change, and amino acid change (where applicable). No publications were found based on this search. Allele frequency data from public databases allowed determination this variant is unlikely to cause disease. Therefore, this variant is classified as likely benign.

Breakthrough Genomics
Classification: Likely benign. Review status: criteria provided, single submitter. Criteria: ACMG Guidelines, 2015. Collection method: not provided. Allele origin: germline. Inheritance: Autosomal recessive inheritance. Affected: yes.

NM_053025.4(MYLK):c.*197T>A

Genes: MYLK-AS1 (MYLK antisense RNA 1; plus strand), MYLK (myosin light chain kinase; minus strand). Cytogenetic location: 3q21.1.
Variant type: single nucleotide variant.
Coding change: c.*197T>A on transcript NM_053025.4 (MANE Select); 197 bases downstream of the stop codon, T replaced by A.
Molecular consequence: 3 prime UTR variant.
Genome position (GRCh38, 1-based): chr3:123,613,908, A>T on the plus strand (T>A on the coding strand, the complement: MYLK is on the minus strand). VCF-style: chr3-123613908-A-T. GRCh37 (hg19) VCF-style: chr3-123332755-A-T.
Other names: c.*197T>A (NM_001321309.2, NM_053026.4, NM_053027.4 and 3 more transcripts).
Identifiers: ClinVar variation 342859 (VCV000342859.6), dbSNP rs116218482, ClinGen allele CA10616956.